The following is an entry in ClinVar:

NM_000128.4(F11):c.1437T>A (p.Tyr479Ter)

Gene: F11 (coagulation factor XI; plus strand). Cytogenetic location: 4q35.2.
Variant type: single nucleotide variant.
Coding change: c.1437T>A on transcript NM_000128.4 (MANE Select); coding-DNA position 1437, T replaced by A.
Protein change: p.Tyr479Ter; replaces tyrosine 479 with a stop codon.
Molecular consequence: nonsense.
Genome position (GRCh38, 1-based): chr4:186,285,770, T>A. VCF-style: chr4-186285770-T-A. GRCh37 (hg19) VCF-style: chr4-187206924-T-A.
Other names: c.1389T>A, p.Tyr463Ter (NM_001440590.1, NM_001440596.1); c.1437T>A, p.Tyr479Ter (NM_001440593.1); c.1167T>A, p.Tyr389Ter (NM_001440605.1, NM_001440607.1); c.1119T>A, p.Tyr373Ter (NM_001440606.1, NM_001440608.1); short protein forms Y373*, Y389*, Y463*, Y479*.
Identifiers: ClinVar variation 5016369 (VCV005016369.1).

ClinVar aggregate classification (germline): Pathogenic (1 of 4 stars; one submission).

Conditions:
Hereditary factor XI deficiency disease. Also called: PLASMA THROMBOPLASTIN ANTECEDENT DEFICIENCY; PTA DEFICIENCY; ROSENTHAL SYNDROME; Congenital factor XI deficiency. Identifiers: Orphanet 329, MedGen C0015523, MeSH D005173, MONDO:0012897, OMIM 612416.

Submission:

Myriad Genetics, Inc.
Classification: Pathogenic for Hereditary factor XI deficiency disease. Last evaluated: 2024-05-14. Review status: criteria provided, single submitter. Criteria: Myriad Autosomal Dominant, Autosomal Recessive and X-Linked Classification Criteria (2023). Collection method: clinical testing. Allele origin: unknown.
Comment: NM_000128.3(F11):c.1437T>A(Y479*) is expected to be pathogenic in the context of factor XI deficiency. This variant is predicted to lead to an abnormal or absent protein product due to the creation of a premature termination codon in F11, a gene where loss-of-function variants are known to be pathogenic. Please note: this variant was assessed in the context of healthy population screening.